The following is an entry in ClinVar:

NM_170707.4(LMNA):c.1551_1587dup (p.Leu530fs)

Gene: LMNA (lamin A/C; plus strand). Cytogenetic location: 1q22.
Variant type: Duplication.
Coding change: c.1551_1587dup on transcript NM_170707.4 (MANE Select); coding-DNA positions 1551 to 1587, 37 bases duplicated.
Protein change: p.Leu530fs; shifts the reading frame from leucine 530.
Molecular consequence: frameshift variant.
Genome position (GRCh38, 1-based): chr1:156,137,175-156,137,211, 37 bases duplicated. GRCh37 (hg19): chr1:156,106,966-156,107,002.
Other names: c.1215_1251dup, p.Leu418fs (NM_001257374.3); c.1308_1344dup, p.Leu449fs (NM_001282624.2); c.1551_1587dup, p.Leu530fs (NM_001282625.2, NM_001282626.2, NM_005572.4 and 1 more transcripts); short protein forms L449fs, L530fs, L418fs.
Identifiers: ClinVar variation 1456576 (VCV001456576.6), dbSNP rs2102895541, ClinGen allele CA2573130638.

ClinVar aggregate classification (germline): Pathogenic (1 of 4 stars; one submission).

Conditions:
Charcot-Marie-Tooth disease type 2. Also called: Charcot-Marie-Tooth type 2. Identifiers: Orphanet 64746, MedGen C0270914, MONDO:0018993.

Submission:

Labcorp Genetics (formerly Invitae), Labcorp
Classification: Pathogenic for Charcot-Marie-Tooth disease type 2. Last evaluated: 2021-06-16. Review status: criteria provided, single submitter. Criteria: Invitae Variant Classification Sherloc (09022015). Collection method: clinical testing. Allele origin: germline.
Comment: This variant is not present in population databases (ExAC no frequency). For these reasons, this variant has been classified as Pathogenic. Algorithms developed to predict the effect of sequence changes on RNA splicing suggest that this variant may create or strengthen a splice site, but this prediction has not been confirmed by published transcriptional studies. This variant has not been reported in the literature in individuals with LMNA-related conditions. This sequence change creates a premature translational stop signal (p.Leu530Glufs*34) in the LMNA gene. It is expected to result in an absent or disrupted protein product. Loss-of-function variants in LMNA are known to be pathogenic (PMID: 18585512, 18926329).

Literature cited by the submitters: PubMed 18585512; PubMed 18926329.